The following is an entry in ClinVar:

NM_001378454.1(ALMS1):c.6082T>C (p.Ser2028Pro)

Gene: ALMS1 (ALMS1 centrosome and basal body associated protein; plus strand). Cytogenetic location: 2p13.1.
Variant type: single nucleotide variant.
Coding change: c.6082T>C on transcript NM_001378454.1 (MANE Select); coding-DNA position 6082, T replaced by C.
Protein change: p.Ser2028Pro; replaces serine 2028 with proline.
Molecular consequence: missense variant.
Genome position (GRCh38, 1-based): chr2:73,452,609, T>C. VCF-style: chr2-73452609-T-C. GRCh37 (hg19) VCF-style: chr2-73679736-T-C.
Other names: c.6085T>C, p.Ser2029Pro (NM_015120.4); short protein forms S2029P, S2028P.
Identifiers: ClinVar variation 391989 (VCV000391989.28), dbSNP rs149096794, ClinGen allele CA1713998.

ClinVar aggregate classification (germline): Conflicting classifications of pathogenicity. Review status: criteria provided, conflicting classifications (1 of 4 stars). 10 submissions from 10 submitters: Uncertain significance (1); Uncertain risk allele (1); Benign (2); Likely benign (6). Last evaluated 2026-02-02.

Conditions:
Alstrom syndrome (ALMS). Identifiers: Orphanet 64, MedGen C0268425, MONDO:0008763, OMIM 203800.
Cardiovascular phenotype. Identifiers: MedGen CN230736.
Monogenic diabetes. Identifiers: Orphanet 183625, MedGen C3888631, MONDO:0015967.

Allele frequency attached by ClinVar (database versions not stated): ESP Exome Variant Server 0.00101; gnomAD 0.00154 and 0.00163; TOPMed 0.00174; 1000 Genomes Project 30x 0.00234; 1000 Genomes Project 0.00280; ExAC 0.00048.
gnomAD v4.1: 445 of 1,614,070 alleles (0.028%); highest among the groups gnomAD compares: African/African-American, 0.52%; 4 homozygotes.

Submissions (10):

Labcorp Genetics (formerly Invitae), Labcorp
Classification: Likely benign for Alstrom syndrome. Last evaluated: 2026-02-02. Review status: criteria provided, single submitter. Criteria: Invitae Variant Classification Sherloc (09022015). Collection method: clinical testing. Allele origin: germline.

CeGaT Center for Human Genetics Tuebingen
Classification: Likely benign. Last evaluated: 2025-11-01. Review status: criteria provided, single submitter. Criteria: CeGaT Center For Human Genetics Tuebingen Variant Classification Criteria Version 2. Collection method: clinical testing. Allele origin: germline. Affected: yes. Observed: 1 variant allele.
Comment: ALMS1: BP4, BS1

Blueprint Genetics
Classification: Likely benign. Last evaluated: 2024-06-26. Review status: criteria provided, single submitter. Criteria: ACMG Guidelines, 2015. Collection method: clinical testing. Allele origin: germline.

Fulgent Genetics
Classification: Likely benign for Alstrom syndrome. Last evaluated: 2021-11-15. Review status: criteria provided, single submitter. Criteria: ACMG Guidelines, 2015. Collection method: clinical testing. Allele origin: unknown.

GeneDx
Classification: Likely benign. Last evaluated: 2021-08-05. Review status: criteria provided, single submitter. Criteria: GeneDx Variant Classification Process June 2021. Collection method: clinical testing. Allele origin: germline. Affected: yes.

Center for Genomics, Ann and Robert H. Lurie Children's Hospital of Chicago
Classification: Uncertain significance for Alstrom syndrome. Last evaluated: 2021-03-30. Review status: criteria provided, single submitter. Criteria: ACMG Guidelines, 2015. Collection method: clinical testing. Allele origin: germline.
Comment: ALMS1 NM_015120.4 exon 8 p.Ser2027Pro (c.6079T>C): This variant has not been reported in the literature but is present in 0.5% (129/24192) of African alleles in the Genome Aggregation Database, including one homozygote. This variant is present in ClinVar (Variation ID:391989). Evolutionary conservation and computational predictive tools for this variant are unclear. In summary, data on this variant is insufficient for disease classification. Therefore, the clinical significance of this variant is uncertain.

Women's Health and Genetics/Laboratory Corporation of America, LabCorp
Classification: Benign. Last evaluated: 2019-09-23. Review status: criteria provided, single submitter. Criteria: LabCorp Variant Classification Summary - May 2015. Collection method: clinical testing. Allele origin: germline.
Comment: Variant summary: ALMS1 c.6079T>C, also referred to as c.6085T>C using the refseq HGVS naming convention (p.Ser2027Pro), results in a non-conservative amino acid change located in the Alstrom syndrome repeat domain (IPR040972) of the encoded protein sequence. Three of five in-silico tools predict a damaging effect of the variant on protein function. The variant allele was found at a frequency of 0.00039 in 249198 control chromosomes, predominantly at a frequency of 0.0055 within the African or African-American subpopulation in the gnomAD database, including 1 homozygote. The observed variant frequency within African or African-American control individuals in the gnomAD database is approximately 2.5 fold of the estimated maximal expected allele frequency for a pathogenic variant in ALMS1 causing Cardiomyopathy phenotype (0.0022), strongly suggesting that the variant is a benign polymorphism found primarily in populations of African or African-American origin. To our knowledge, no occurrence of c.6079T>C in individuals affected with Cardiomyopathy and no experimental evidence demonstrating its impact on protein function have been reported. Two clinical diagnostic laboratories have submitted clinical-significance assessments for this variant to ClinVar after 2014 without evidence for independent evaluation. All laboratories classified the variant as likely benign. Based on the evidence outlined above, the variant was classified as benign.

Ambry Genetics
Classification: Benign for Cardiovascular phenotype. Last evaluated: 2019-01-07. Review status: criteria provided, single submitter. Criteria: Ambry Variant Classification Scheme 2023. Collection method: clinical testing. Allele origin: germline.

Personalized Diabetes Medicine Program, University of Maryland School of Medicine
Classification: Likely benign for Monogenic diabetes. Last evaluated: 2017-02-17. Review status: criteria provided, single submitter. Criteria: ACMG Guidelines, 2015. Collection method: research. Allele origin: unknown. Observed: 2 variant alleles, 2 heterozygotes.
Comment: ACMG criteria: PP3 (3 predictors), BS1 (1% in 1000G-AFR), BP4 (4 predictors), BP1 (truncating known to cause disease), (BS2)for 1 homozygote in ExAC=Likely Benign

Clinical Genomics, Uppaluri K&H Personalized Medicine Clinic
Classification: Uncertain risk allele for Alstrom syndrome. Review status: criteria provided, single submitter. Criteria: K & H Uppaluri Personalized Medicine Clinic Variant Classification & Assertion Criteria_Updated V.1. Collection method: research. Allele origin: unknown. Inheritance: Autosomal recessive inheritance.
Comment: Potent mutations in ALMS1 are associated with a rare condition called Alstrom syndrome. It can cause excessive eating, insulin resistance. However, no evidence is found to ascertain the role of rs149096794 in Alstrom syndrome yet.

Literature cited by the submitters: PubMed 34148947 (cited by Clinical Genomics, Uppaluri K&H Personalized Medicine Clinic); PubMed 25846608 (cited by Clinical Genomics, Uppaluri K&H Personalized Medicine Clinic); PubMed 30421101 (cited by Clinical Genomics, Uppaluri K&H Personalized Medicine Clinic); PubMed 33669459 (cited by Clinical Genomics, Uppaluri K&H Personalized Medicine Clinic).